The following is an entry in ClinVar:

NM_000159.4(GCDH):c.957-1G>T

Gene: GCDH (glutaryl-CoA dehydrogenase; plus strand). Cytogenetic location: 19p13.13.
Variant type: single nucleotide variant.
Coding change: c.957-1G>T on transcript NM_000159.4 (MANE Select); the canonical splice acceptor site of the intron before coding-DNA position 957, G replaced by T.
Molecular consequence: splice acceptor variant.
Genome position (GRCh38, 1-based): chr19:12,897,302, G>T. VCF-style: chr19-12897302-G-T. GRCh37 (hg19) VCF-style: chr19-13008116-G-T.
Other names: c.957-1G>T (NM_013976.5).
Identifiers: ClinVar variation 2764848 (VCV002764848.4), dbSNP rs2145953759, ClinGen allele CA404319748.

ClinVar aggregate classification (germline): Likely pathogenic (1 of 4 stars; one submission).

Conditions:
Glutaric aciduria, type 1. Also called: GA I; Glutaricaciduria, type I; Glutaric acidemia type I; Glutaricacidemia Type 1; Glutaric Acidemia Type 1; Glutaryl-CoA dehydrogenase deficiency. Identifiers: Orphanet 25, MedGen C0268595, MONDO:0009281, OMIM 231670.

Submissions (2):

Labcorp Genetics (formerly Invitae), Labcorp
Classification: Likely pathogenic for Glutaric aciduria, type 1. Last evaluated: 2023-10-03. Review status: criteria provided, single submitter. Criteria: Invitae Variant Classification Sherloc (09022015). Collection method: clinical testing. Allele origin: germline.
Comment: This sequence change affects an acceptor splice site in intron 9 of the GCDH gene. It is expected to disrupt RNA splicing. Variants that disrupt the donor or acceptor splice site typically lead to a loss of protein function (PMID: 16199547), and loss-of-function variants in GCDH are known to be pathogenic (PMID: 10699052, 11854167, 16602100). This variant is not present in population databases (gnomAD no frequency). This variant has not been reported in the literature in individuals affected with GCDH-related conditions. Algorithms developed to predict the effect of sequence changes on RNA splicing suggest that this variant may disrupt the consensus splice site. In summary, the currently available evidence indicates that the variant is pathogenic, but additional data are needed to prove that conclusively. Therefore, this variant has been classified as Likely Pathogenic.

Dr. Peter K. Rogan Lab, Western University
No classification provided (evidence only). Condition: Colon adenocarcinoma. Review status: no classification provided. Collection method: in vitro. Allele origin: not applicable. Functional consequence: skipped exon. Not counted in ClinVar's aggregate classification.

Literature cited by the submitters: PubMed 16199547 (cited by Labcorp Genetics (formerly Invitae), Labcorp); PubMed 10699052 (cited by Labcorp Genetics (formerly Invitae), Labcorp); PubMed 11854167 (cited by Labcorp Genetics (formerly Invitae), Labcorp); PubMed 16602100 (cited by Labcorp Genetics (formerly Invitae), Labcorp).